The following is an entry in ClinVar:

NM_032638.5(GATA2):c.970_994dup (p.Leu332fs)

Gene: GATA2 (GATA binding protein 2; minus strand). Cytogenetic location: 3q21.3.
Variant type: Duplication.
Coding change: c.970_994dup on transcript NM_032638.5 (MANE Select); coding-DNA positions 970 to 994, 25 bases duplicated (AAGATGAATGGGCAGAACCGACCAC).
Protein change: p.Leu332fs; shifts the reading frame from leucine 332.
Molecular consequence: frameshift variant.
Genome position (GRCh38, 1-based): chr3:128,483,883-128,483,907, GTGGTCGGTTCTGCCCATTCATCTT duplicated on the plus strand (AAGATGAATGGGCAGAACCGACCAC on the coding strand, the reverse complement: GATA2 is on the minus strand); duplicating any 25 consecutive bases within chr3:128,483,883-128,483,912 gives the same sequence; the c. name uses the placement nearest the transcript's 3' end. VCF-style (leftmost placement, unchanged base first): chr3-128483882-A-AGTGGTCGGTTCTGCCCATTCATCTT. GRCh37 (hg19) VCF-style: chr3-128202725-A-AGTGGTCGGTTCTGCCCATTCATCTT.
Other names: c.970_994dup, p.Leu332fs (NM_001145661.2, NM_001145662.1); short protein forms L332fs.
Identifiers: ClinVar variation 1184152 (VCV001184152.1), dbSNP rs2107670328, ClinGen allele CA2499216458.

ClinVar aggregate classification (germline): Pathogenic (1 of 4 stars; one submission).

Conditions:
Deafness-lymphedema-leukemia syndrome. Also called: Emberger syndrome; Lymphedema, primary, with myelodysplasia. Identifiers: Orphanet 3226, MedGen C3279664, MONDO:0013540, OMIM 614038.
GATA2 deficiency with susceptibility to MDS/AML. Identifiers: MedGen CN300066, MONDO:0042982.

Submission:

Molecular Pathology Research Laboratory, SA Pathology
Classification: Pathogenic for GATA2 deficiency with susceptibility to MDS/AML; Deafness-lymphedema-leukemia syndrome. Last evaluated: 2021-07-06. Review status: criteria provided, single submitter. Criteria: ACMG Guidelines, 2015. Collection method: curation. Allele origin: unknown. Inheritance: Autosomal dominant inheritance. Affected: yes. Observed: 1 variant allele.
Comment: PVS1, PS4_Supporting, PM2

Literature cited by the submitters: PubMed 26702063.